The following is an entry in ClinVar:

NM_000059.4(BRCA2):c.8851G>A (p.Ala2951Thr)

Gene: BRCA2 (BRCA2 DNA repair associated; plus strand). Cytogenetic location: 13q13.1.
Variant type: single nucleotide variant.
Coding change: c.8851G>A on transcript NM_000059.4 (MANE Select); coding-DNA position 8851, G replaced by A.
Protein change: p.Ala2951Thr; replaces alanine 2951 with threonine.
Molecular consequence: missense variant.
Genome position (GRCh38, 1-based): chr13:32,379,413, G>A. VCF-style: chr13-32379413-G-A. GRCh37 (hg19) VCF-style: chr13-32953550-G-A.
Other names: p.A2951T:GCC>ACC; NP_000050.3:p.Ala2951Thr; 9079G>A; short protein forms A2951T.
Identifiers: ClinVar variation 41570 (VCV000041570.129), dbSNP rs11571769, ClinGen allele CA025851.

ClinVar aggregate classification (germline): Benign. Review status: reviewed by expert panel (3 of 4 stars). 49 submissions from 47 submitters: Benign (1). 48 of the submissions do not count toward it. Last evaluated 2016-09-28.

Conditions:
BRCA2-related cancer predisposition. Identifiers: MedGen CN377758, MONDO:0700269.
Breast and/or ovarian cancer. Identifiers: MedGen CN221562.
Hereditary cancer-predisposing syndrome. Also called: Neoplastic Syndromes, Hereditary; Hereditary neoplastic syndrome; Hereditary Cancer Syndrome; Tumor predisposition. Identifiers: Orphanet 140162, MedGen C0027672, MeSH D009386, MONDO:0015356.
Ovarian cancer. Also called: OVARIAN CANCER, SOMATIC. Identifiers: Orphanet 213500, MedGen C1140680, MONDO:0008170, OMIM 167000.
Hereditary breast ovarian cancer syndrome. Also called: Hereditary breast and ovarian cancer syndrome (HBOC); Breast and ovarian cancer; BRCA1- and BRCA2-Associated Hereditary Breast and Ovarian Cancer; Hereditary breast and ovarian cancer syndrome; Hereditary breast and ovarian cancer; Hereditary breast and/or ovarian cancer syndrome. Identifiers: Orphanet 145, MedGen C0677776, MeSH D061325, MONDO:0003582. Disease mechanism: loss of function.
Fanconi anemia complementation group D1. Also called: BRCA2-Related Fanconi Anemia. Identifiers: Orphanet 319462, MedGen C1838457, MONDO:0011584, OMIM 605724.
Breast-ovarian cancer, familial, susceptibility to, 2 (BROVCA2). Also called: BRCA2 Hereditary Breast and Ovarian Cancer. Identifiers: Orphanet 145, MedGen C2675520, MONDO:0012933, OMIM 612555. Disease mechanism: loss of function.
Malignant tumor of breast. Also called: Malignant breast neoplasm; Cancer breast. Identifiers: MedGen C0006142, MONDO:0007254. Disease mechanism: loss of function.
Familial cancer of breast. Also called: Hereditary breast cancer; hereditary breast carcinoma; BREAST CANCER, FAMILIAL. Identifiers: Orphanet 227535, MedGen C0346153, MONDO:0016419, OMIM 114480. Disease mechanism: loss of function.

Allele frequency attached by ClinVar (database versions not stated): gnomAD exomes 0.00679 and 0.00955; ExAC 0.00785; gnomAD 0.00809 and 0.00843; 1000 Genomes Project 0.00998; ESP Exome Variant Server 0.00438; TOPMed 0.00992; 1000 Genomes Project 30x 0.01109.
gnomAD v4.1: 11,174 of 1,613,810 alleles (0.69%); highest among the groups gnomAD compares: Admixed American, 4.2%; 134 homozygotes.

Submissions 1 to 20 of 49:

Evidence-based Network for the Interpretation of Germline Mutant Alleles (ENIGMA)
Classification: Benign for Breast-ovarian cancer, familial, susceptibility to, 2. Last evaluated: 2016-09-28. Review status: reviewed by expert panel. Criteria: ENIGMA BRCA1/2 Classification Criteria (2015). Collection method: curation. Allele origin: germline.
Comment: Class 1 not pathogenic based on frequency >1% in an outbred sampleset. Frequency 0.036 (Admixed American/Latino), 0.0215 (South Asian), derived from 1000 genomes (2013-05-02).

CeGaT Center for Human Genetics Tuebingen
Classification: Benign. Last evaluated: 2026-09-01. Review status: criteria provided, single submitter. Criteria: CeGaT Center For Human Genetics Tuebingen Variant Classification Criteria Version 2. Collection method: clinical testing. Allele origin: germline. Affected: yes. Observed: 110 variant alleles. Not counted in ClinVar's aggregate classification.
Comment: BRCA2: PM5, BP4, BS1, BS2

Labcorp Genetics (formerly Invitae), Labcorp
Classification: Benign for Hereditary breast ovarian cancer syndrome. Last evaluated: 2026-02-04. Review status: criteria provided, single submitter. Criteria: Invitae Variant Classification Sherloc (09022015). Collection method: clinical testing. Allele origin: germline. Not counted in ClinVar's aggregate classification.

ARUP Laboratories, Molecular Genetics and Genomics, ARUP Laboratories
Classification: Benign. Last evaluated: 2025-07-07. Review status: criteria provided, single submitter. Criteria: ARUP Molecular Germline Variant Investigation Process 2024. Collection method: clinical testing. Allele origin: germline. Not counted in ClinVar's aggregate classification.

Quest Diagnostics Nichols Institute San Juan Capistrano
Classification: Benign. Last evaluated: 2025-03-06. Review status: criteria provided, single submitter. Criteria: Quest Diagnostics criteria. Collection method: clinical testing. Allele origin: unknown. Not counted in ClinVar's aggregate classification.

Center for Genomic Medicine, Rigshospitalet, Copenhagen University Hospital
Classification: Benign. Last evaluated: 2025-03-04. Review status: criteria provided, single submitter. Criteria: ACMG Guidelines, 2015. Collection method: clinical testing. Allele origin: germline. Not counted in ClinVar's aggregate classification.

KCCC/NGS Laboratory, Kuwait Cancer Control Center
Classification: Benign for Familial cancer of breast. Last evaluated: 2025-02-01. Review status: criteria provided, single submitter. Criteria: ACMG Guidelines, 2015. Collection method: clinical testing. Allele origin: germline. Affected: no. Not counted in ClinVar's aggregate classification.

Blueprint Genetics
Classification: Likely benign. Last evaluated: 2024-11-27. Review status: criteria provided, single submitter. Criteria: ACMG Guidelines, 2015. Collection method: clinical testing. Allele origin: germline. Not counted in ClinVar's aggregate classification.

All of Us Research Program, National Institutes of Health
Classification: Benign for BRCA2-related cancer predisposition. Last evaluated: 2024-09-27. Review status: criteria provided, single submitter. Criteria: ACMG Guidelines, 2015. Collection method: clinical testing. Allele origin: germline. Inheritance: Autosomal dominant inheritance. Observed: 2,099 variant alleles, 2,071 heterozygotes, 28 homozygotes. Not counted in ClinVar's aggregate classification.
Comment: This study involves interpretation of variants in research participants for the purpose of population health screening. Participant phenotype was not available at the time of variant classification. Additional details can be found in publication PMID: 35346344, PMCID: PMC8962531

KCCC/NGS Laboratory, Kuwait Cancer Control Center
Classification: Benign for Breast-ovarian cancer, familial, susceptibility to, 2. Last evaluated: 2023-07-07. Review status: criteria provided, single submitter. Criteria: ACMG Guidelines, 2015. Collection method: clinical testing. Allele origin: germline. Affected: yes. Not counted in ClinVar's aggregate classification.

Genetics and Molecular Pathology, SA Pathology
Classification: Benign for Breast-ovarian cancer, familial, susceptibility to, 2. Last evaluated: 2022-05-25. Review status: criteria provided, single submitter. Criteria: ACMG Guidelines, 2015. Collection method: clinical testing. Allele origin: germline. Affected: yes. Not counted in ClinVar's aggregate classification.
Comment: The BRCA2 c.8851G>A variant is classified as Benign

Laboratory of Molecular Epidemiology of Birth Defects, West China Second University Hospital, Sichuan University
Classification: Likely pathogenic for Ovarian cancer. Last evaluated: 2022-01-01. Review status: criteria provided, single submitter. Criteria: ACMG Guidelines, 2015. Collection method: clinical testing. Allele origin: germline. Affected: yes. Not counted in ClinVar's aggregate classification.

National Health Laboratory Service, Universitas Academic Hospital and University of the Free State
Classification: Benign for Hereditary breast ovarian cancer syndrome. Last evaluated: 2021-11-16. Review status: criteria provided, single submitter. Criteria: ACMG Guidelines, 2015. Collection method: clinical testing. Allele origin: germline. Affected: yes. Observed: 12 variant alleles. Not counted in ClinVar's aggregate classification.

Genetics Program, Instituto Nacional de Cancer
Classification: Benign for Hereditary breast ovarian cancer syndrome. Last evaluated: 2021-11-01. Review status: criteria provided, single submitter. Criteria: ACMG Guidelines, 2015. Collection method: research. Allele origin: germline. Affected: yes. Not counted in ClinVar's aggregate classification.

Sema4
Classification: Benign for Hereditary cancer-predisposing syndrome. Last evaluated: 2020-03-20. Review status: criteria provided, single submitter. Criteria: Sema4 Curation Guidelines. Collection method: curation. Allele origin: germline. Not counted in ClinVar's aggregate classification.

Illumina Laboratory Services, Illumina
Classification: Likely benign for Breast-ovarian cancer, familial, susceptibility to, 2. Last evaluated: 2018-01-29. Review status: criteria provided, single submitter. Criteria: ICSL Variant Classification Criteria 13 December 2019. Collection method: clinical testing. Allele origin: germline. Not counted in ClinVar's aggregate classification.
Comment: This variant was observed as part of a predisposition screen in an ostensibly healthy population. A literature search was performed for the gene, cDNA change, and amino acid change (where applicable). Publications were found based on this search. The evidence from the literature, in combination with allele frequency data from public databases where available, was sufficient to determine this variant is unlikely to cause disease. Therefore, this variant is classified as likely benign.

Illumina Laboratory Services, Illumina
Classification: Likely benign for Fanconi anemia complementation group D1. Last evaluated: 2018-01-29. Review status: criteria provided, single submitter. Criteria: ICSL Variant Classification Criteria 13 December 2019. Collection method: clinical testing. Allele origin: germline. Not counted in ClinVar's aggregate classification.
Comment: This variant was observed as part of a predisposition screen in an ostensibly healthy population. A literature search was performed for the gene, cDNA change, and amino acid change (where applicable). No publications were found based on this search. Allele frequency data from public databases allowed determination this variant is unlikely to cause disease. Therefore, this variant is classified as likely benign.

Cancer Genetics and Genomics Laboratory, British Columbia Cancer Agency
Classification: Benign. Last evaluated: 2017-04-18. Review status: criteria provided, single submitter. Criteria: ACMG Guidelines, 2015. Collection method: clinical testing. Allele origin: germline. Study: The Canadian Open Genetics Repository (COGR). Not counted in ClinVar's aggregate classification.

Baylor Genetics
Classification: Benign for Familial cancer of breast. Last evaluated: 2017-02-23. Review status: criteria provided, single submitter. Criteria: ACMG Guidelines, 2015. Collection method: clinical testing. Allele origin: germline. Inheritance: Autosomal dominant inheritance. Affected: no. Not counted in ClinVar's aggregate classification.

PreventionGenetics, part of Exact Sciences
Classification: Benign. Last evaluated: 2016-10-31. Review status: criteria provided, single submitter. Criteria: ACMG Guidelines, 2015. Collection method: clinical testing. Allele origin: germline. Not counted in ClinVar's aggregate classification.